The following is an entry in ClinVar:

NM_001282933.2(ZNF341):c.2323_2324delinsTT (p.Glu775Leu)

Genes: ZNF341 (zinc finger protein 341; plus strand), ZNF341-AS1 (ZNF341 antisense RNA 1; minus strand). Cytogenetic location: 20q11.22.
Variant type: Indel.
Coding change: c.2323_2324delinsTT on transcript NM_001282933.2 (MANE Select); coding-DNA positions 2323 to 2324, GA replaced by TT.
Protein change: p.Glu775Leu; replaces glutamic acid 775 with leucine.
Molecular consequence: missense variant. On other transcripts: non-coding transcript variant (1).
Genome position (GRCh38, 1-based): chr20:33,791,275-33,791,276, GA replaced by TT. VCF-style: chr20-33791275-GA-TT. GRCh37 (hg19) VCF-style: chr20-32379081-GA-TT.
Other names: c.2053_2054delinsTT, p.Glu685Leu (NM_001282935.2); c.2302_2303delinsTT, p.Glu768Leu (NM_032819.5); short protein forms E768L, E775L, E685L.
Identifiers: ClinVar variation 1505202 (VCV001505202.8), dbSNP rs2122753412, ClinGen allele CA2573156995.

ClinVar aggregate classification (germline): Uncertain significance (1 of 4 stars; one submission).

Submission:

Labcorp Genetics (formerly Invitae), Labcorp
Classification: Uncertain significance. Last evaluated: 2022-06-13. Review status: criteria provided, single submitter. Criteria: Invitae Variant Classification Sherloc (09022015). Collection method: clinical testing. Allele origin: germline.
Comment: This sequence change replaces glutamic acid, which is acidic and polar, with leucine, which is neutral and non-polar, at codon 768 of the ZNF341 protein (p.Glu768Leu). Information on the frequency of this variant in the gnomAD database is not available, as this variant may be reported differently in the database. This variant has not been reported in the literature in individuals affected with ZNF341-related conditions. Algorithms developed to predict the effect of missense changes on protein structure and function are either unavailable or do not agree on the potential impact of this missense change (SIFT: "Not Available"; PolyPhen-2: "Possibly Damaging"; Align-GVGD: "Not Available"). In summary, the available evidence is currently insufficient to determine the role of this variant in disease. Therefore, it has been classified as a Variant of Uncertain Significance.